The following is an entry in ClinVar:

ClinVar aggregate classification (germline): Likely benign (1 of 4 stars; one submission).

Conditions:
MELAS syndrome (MELAS). Also called: Juvenile myopathy, encephalopathy, lactic acidosis, stroke. Identifiers: Orphanet 550, MedGen C0162671, MONDO:0010789, OMIM 540000.

Submission:

Wong Mito Lab, Molecular and Human Genetics, Baylor College of Medicine
Classification: Likely benign for MELAS syndrome. Last evaluated: 2019-07-12. Review status: criteria provided, single submitter. Criteria: Modified ACMG Guidelines (Unpublished). Collection method: clinical testing. Allele origin: germline.
Comment: The NC_012920.1:m.7534C>T variant in MT-TD gene is interpreted to be a Likely Benign variant based on the modified ACMG guidelines (unpublished). This variant meets the following evidence codes reported in the guidelines: BS4, BP4, BP6

Literature cited by the submitters: PubMed 31965079.

NC_012920.1(MT-TD):m.7534C>T

Gene: MT-TD (mitochondrially encoded tRNA aspartic acid; plus strand).
Variant type: single nucleotide variant.
Genome position: chrM-7534-C-T.
Identifiers: ClinVar variation 690040 (VCV000690040.1), dbSNP rs1603221002, ClinGen allele CA913177327.